The following is an entry in ClinVar:

NM_025137.4(SPG11):c.48C>G (p.Ser16Arg)

Gene: SPG11 (SPG11 vesicle trafficking associated, spatacsin; minus strand). Cytogenetic location: 15q21.1.
Variant type: single nucleotide variant.
Coding change: c.48C>G on transcript NM_025137.4 (MANE Select); coding-DNA position 48, C replaced by G.
Protein change: p.Ser16Arg; replaces serine 16 with arginine.
Molecular consequence: missense variant.
Genome position (GRCh38, 1-based): chr15:44,663,600, G>C on the plus strand (C>G on the coding strand, the complement: SPG11 is on the minus strand). VCF-style: chr15-44663600-G-C. GRCh37 (hg19) VCF-style: chr15-44955798-G-C.
Other names: c.48C>G, p.Ser16Arg (NM_001160227.2, NM_001411132.1); short protein forms S16R.
Identifiers: ClinVar variation 1743937 (VCV001743937.2), dbSNP rs770194020, ClinGen allele CA7535965.

ClinVar aggregate classification (germline): Uncertain significance (1 of 4 stars; one submission).

Conditions:
Inborn genetic diseases. Identifiers: MedGen C0950123, MeSH D030342.

Allele frequency attached by ClinVar (database versions not stated): gnomAD 0.00001; ExAC 0.00005.
gnomAD v4.1: 11 of 1,596,098 alleles (0.00069%); highest among the groups gnomAD compares: Non-Finnish European, 0.00077%; no homozygotes.

Submission:

Ambry Genetics
Classification: Uncertain significance for Inborn genetic diseases. Last evaluated: 2021-03-18. Review status: criteria provided, single submitter. Criteria: Ambry Variant Classification Scheme 2023. Collection method: clinical testing. Allele origin: germline.
Comment: The p.S16R variant (also known as c.48C>G), located in coding exon 1 of the SPG11 gene, results from a C to G substitution at nucleotide position 48. The serine at codon 16 is replaced by arginine, an amino acid with dissimilar properties. This amino acid position is well conserved in available vertebrate species. In addition, this alteration is predicted to be tolerated by in silico analysis. Since supporting evidence is limited at this time, the clinical significance of this alteration remains unclear.